The following is an entry in ClinVar:

NM_004415.4(DSP):c.1978_1979del (p.Glu660fs)

Gene: DSP (desmoplakin; plus strand). Cytogenetic location: 6p24.3.
Variant type: Microsatellite.
Coding change: c.1978_1979del on transcript NM_004415.4 (MANE Select); coding-DNA positions 1978 to 1979, 2 bases deleted (GA; older notation c.1978_1979delGA).
Protein change: p.Glu660fs; shifts the reading frame from glutamic acid 660.
Molecular consequence: frameshift variant.
Genome position (GRCh38, 1-based): chr6:7,571,916-7,571,917, GA deleted; deleting any 2 consecutive bases within chr6:7,571,913-7,571,917 gives the same sequence; the c. name uses the placement nearest the transcript's 3' end. VCF-style (leftmost placement, unchanged base first): chr6-7571912-CAG-C. GRCh37 (hg19) VCF-style: chr6-7572145-CAG-C.
Other names: c.1978_1979del, p.Glu660fs (NM_001008844.3, NM_001319034.2); short protein forms E660fs.
Identifiers: ClinVar variation 2775277 (VCV002775277.6), dbSNP rs2533896507, ClinGen allele CA2697546619.

ClinVar aggregate classification (germline): Pathogenic/Likely pathogenic. Review status: criteria provided, multiple submitters, no conflicts (2 of 4 stars). 3 submissions from 3 submitters: Pathogenic (2); Likely pathogenic (1). Last evaluated 2023-06-20.

Conditions:
Cardiomyopathy (CMYO). Also called: Cardiomyopathies. Identifiers: Orphanet 167848, MedGen C0878544, MONDO:0004994, HP:0001638. Inheritance: Various modes of inheritance.
Arrhythmogenic cardiomyopathy with wooly hair and keratoderma. Also called: PALMOPLANTAR KERATODERMA WITH LEFT VENTRICULAR CARDIOMYOPATHY AND WOOLLY HAIR; Dilated cardiomyopathy with woolly hair and keratoderma; Arrhythmogenic cardiomyopathy with woolly hair and keratoderma; Carvajal syndrome. Identifiers: Orphanet 65282, MedGen C1854063, MONDO:0011581, OMIM 605676.
Arrhythmogenic right ventricular dysplasia 8 (ARVD8). Also called: Arrhythmogenic Right Ventricular Dysplasia/Cardiomyopathy 8; ARRHYTHMOGENIC RIGHT VENTRICULAR DYSPLASIA, FAMILIAL, 8; ARRHYTHMOGENIC RIGHT VENTRICULAR CARDIOMYOPATHY 8. Identifiers: MedGen C1843896, MONDO:0011831, OMIM 607450.

Submissions (3):

Color Diagnostics, LLC DBA Color Health
Classification: Pathogenic for Cardiomyopathy. Last evaluated: 2023-06-20. Review status: criteria provided, single submitter. Criteria: ACMG Guidelines, 2015. Collection method: clinical testing. Allele origin: germline.
Comment: This variant deletes 2 nucleotides in exon 15 of the DSP gene, creating a frameshift and premature translation stop signal. This variant is expected to result in an absent or non-functional protein product. To our knowledge, this variant has not been reported in individuals affected with DSP-related disorders in the literature. This variant has not been identified in the general population by the Genome Aggregation Database (gnomAD). Loss of DSP function is a known mechanism of disease. Based on the available evidence, this variant is classified as Pathogenic.

All of Us Research Program, National Institutes of Health
Classification: Likely pathogenic for Arrhythmogenic cardiomyopathy with wooly hair and keratoderma. Last evaluated: 2023-05-03. Review status: criteria provided, single submitter. Criteria: ACMG Guidelines, 2015. Collection method: clinical testing. Allele origin: germline. Inheritance: Autosomal dominant inheritance. Observed: 1 variant allele, 1 heterozygote.
Comment: The c.1978_1979del (p.Glu660Lysfs*2) variant in the DSP gene creates a frameshift resulting in a premature translation stop signal. This change is predicted to result in an absent or disrupted protein product. Loss-of-function variants in DSP are known to be pathogenic (PMID: 20716751, 24503780, 25227139). This variant is not present in the general population according to gnomAD. Therefore, c.1978_1979del (p.Glu660Lysfs*2) variant in the DSP gene has been classified as likely pathogenic.

This study involves interpretation of variants in research participants for the purpose of population health screening. Participant phenotype was not available at the time of variant classification. Additional details can be found in publication PMID: 35346344, PMCID: PMC8962531

Labcorp Genetics (formerly Invitae), Labcorp
Classification: Pathogenic for Arrhythmogenic cardiomyopathy with wooly hair and keratoderma; Arrhythmogenic right ventricular dysplasia 8. Last evaluated: 2023-02-06. Review status: criteria provided, single submitter. Criteria: Invitae Variant Classification Sherloc (09022015). Collection method: clinical testing. Allele origin: germline.
Comment: This sequence change creates a premature translational stop signal (p.Glu660Lysfs*2) in the DSP gene. It is expected to result in an absent or disrupted protein product. Loss-of-function variants in DSP are known to be pathogenic (PMID: 20716751, 24503780, 25227139). This variant is not present in population databases (gnomAD no frequency). This variant has not been reported in the literature in individuals affected with DSP-related conditions. For these reasons, this variant has been classified as Pathogenic.

Literature cited by the submitters: PubMed 20716751 (cited by All of Us Research Program, National Institutes of Health and Labcorp Genetics (formerly Invitae), Labcorp); PubMed 24503780 (cited by All of Us Research Program, National Institutes of Health and Labcorp Genetics (formerly Invitae), Labcorp); PubMed 25227139 (cited by All of Us Research Program, National Institutes of Health and Labcorp Genetics (formerly Invitae), Labcorp).